The following is an entry in ClinVar:

ClinVar aggregate classification (germline): Uncertain significance (1 of 4 stars; one submission).

Conditions:
Long QT syndrome (LQTS). Identifiers: MedGen C0023976, MeSH D008133, MONDO:0002442. Disease mechanism: loss of function. Inheritance: Various modes of inheritance.

Submission:

Labcorp Genetics (formerly Invitae), Labcorp
Classification: Uncertain significance for Long QT syndrome. Last evaluated: 2026-01-19. Review status: criteria provided, single submitter. Criteria: Invitae Variant Classification Sherloc (09022015). Collection method: clinical testing. Allele origin: germline.
Comment: This sequence change replaces cysteine, which is neutral and slightly polar, with tyrosine, which is neutral and polar, at codon 2333 of the AKAP9 protein (p.Cys2333Tyr). This variant is not present in population databases (gnomAD no frequency). This variant has not been reported in the literature in individuals affected with AKAP9-related conditions. An algorithm developed to predict the effect of missense changes on protein structure and function outputs the following: PolyPhen-2: "Benign". The tyrosine amino acid residue is found in multiple mammalian species, which suggests that this missense change does not adversely affect protein function. In summary, the available evidence is currently insufficient to determine the role of this variant in disease. Therefore, it has been classified as a Variant of Uncertain Significance.

NM_005751.5(AKAP9):c.6998G>A (p.Cys2333Tyr)

Gene: AKAP9 (A-kinase anchoring protein 9; plus strand). Cytogenetic location: 7q21.2.
Variant type: single nucleotide variant.
Coding change: c.6998G>A on transcript NM_005751.5 (MANE Select); coding-DNA position 6998, G replaced by A.
Protein change: p.Cys2333Tyr; replaces cysteine 2333 with tyrosine.
Molecular consequence: missense variant.
Genome position (GRCh38, 1-based): chr7:92,079,131, G>A. VCF-style: chr7-92079131-G-A. GRCh37 (hg19) VCF-style: chr7-91708445-G-A.
Other names: c.1643G>A, p.Cys548Tyr (NM_001379277.1); c.6974G>A, p.Cys2325Tyr (NM_147185.3); short protein forms C548Y, C2325Y, C2333Y.
Identifiers: ClinVar variation 4723111 (VCV004723111.1).